The following is an entry in ClinVar:

NM_001130987.2(DYSF):c.1576G>A (p.Val526Met)

Gene: DYSF (dysferlin; plus strand). Cytogenetic location: 2p13.2.
Variant type: single nucleotide variant.
Coding change: c.1576G>A on transcript NM_001130987.2 (MANE Select); coding-DNA position 1576, G replaced by A.
Protein change: p.Val526Met; replaces valine 526 with methionine.
Molecular consequence: missense variant.
Genome position (GRCh38, 1-based): chr2:71,539,239, G>A. VCF-style: chr2-71539239-G-A. GRCh37 (hg19) VCF-style: chr2-71766369-G-A.
Other names: c.1480G>A, p.Val494Met (NM_001130977.2, NM_001130976.2); c.1480G>A, p.Glu494Lys (NM_001130978.2, NM_003494.4); c.1573G>A, p.Glu525Lys (NM_001130979.2); c.1573G>A, p.Val525Met (NM_001130980.2, NM_001130981.2); c.1576G>A, p.Glu526Lys (NM_001130982.2); c.1483G>A, p.Glu495Lys (NM_001130983.2, NM_001130455.2); c.1483G>A, p.Val495Met (NM_001130984.2, NM_001130986.2); c.1576G>A, p.Val526Met (NM_001130985.2); short protein forms E494K, E495K, E525K, E526K, V494M, V495M, V525M, V526M.
Identifiers: ClinVar variation 4066966 (VCV004066966.2).

ClinVar aggregate classification (germline): Uncertain significance. Review status: criteria provided, single submitter (1 of 4 stars). 2 submissions from 2 submitters: Uncertain significance (1). 1 of the submissions does not count toward it. Last evaluated 2026-02-24.

Conditions:
Autosomal recessive limb-girdle muscular dystrophy type 2B (LGMDR2). Also called: MUSCULAR DYSTROPHY, LIMB-GIRDLE, TYPE 3; Limb-girdle muscular dystrophy, type 2B; MUSCULAR DYSTROPHY, LIMB-GIRDLE, AUTOSOMAL RECESSIVE 2; Limb-Girdle Muscular Dystrophy Type 2B (LGMD2B). Identifiers: Orphanet 268, MedGen C1850889, MONDO:0009676, OMIM 253601.

Submissions (2):

Women's Health and Genetics/Laboratory Corporation of America, LabCorp
Classification: Uncertain significance. Last evaluated: 2026-02-24. Review status: criteria provided, single submitter. Criteria: LabCorp Variant Classification Summary - May 2015. Collection method: clinical testing. Allele origin: germline.
Comment: Variant summary: DYSF c.1480G>A (p.Glu494Lys) results in a conservative amino acid change in the encoded protein sequence, near a canonical splice site. Algorithms developed to predict the effect of missense changes on protein structure and function are either unavailable or do not agree on the potential impact of this missense change. Several computational tools predict a significant impact on normal splicing: five predict the variant weakens the canonical 5' donor site. However, these predictions have yet to be confirmed by functional studies. The variant was absent in 251480 control chromosomes (gnomAD). The available data on variant occurrences in the general population are insufficient to allow any conclusion about variant significance. To our knowledge, no occurrence of c.1480G>A in individuals affected with DYSF-related conditions and no experimental evidence demonstrating its impact on protein function have been reported. ClinVar contains an entry for this variant (Variation ID: 4066966). Based on the evidence outlined above, the variant was classified as uncertain significance.

Natera, Inc.
Classification: Uncertain significance for Limb-girdle muscular dystrophy type 2B. Last evaluated: 2025-05-29. Review status: no assertion criteria provided. Collection method: clinical testing. Allele origin: germline. Not counted in ClinVar's aggregate classification.